The following is an entry in ClinVar:

ClinVar aggregate classification (germline): Pathogenic (1 of 4 stars; one submission).

Conditions:
Birt-Hogg-Dube syndrome. Also called: Birt Hogg Dubé syndrome. Identifiers: Orphanet 122, MedGen C0346010, MONDO:0800444.

Submission:

Labcorp Genetics (formerly Invitae), Labcorp
Classification: Pathogenic for Birt-Hogg-Dube syndrome. Last evaluated: 2025-10-01. Review status: criteria provided, single submitter. Criteria: Invitae Variant Classification Sherloc (09022015). Collection method: clinical testing. Allele origin: germline.
Comment: This sequence change creates a premature translational stop signal (p.Asp80Alafs*50) in the FLCN gene. It is expected to result in an absent or disrupted protein product. Loss-of-function variants in FLCN are known to be pathogenic (PMID: 15852235). This variant is not present in population databases (gnomAD no frequency). This variant has not been reported in the literature in individuals affected with FLCN-related conditions. ClinVar contains an entry for this variant (Variation ID: 409393). For these reasons, this variant has been classified as Pathogenic.

Literature cited by the submitters: PubMed 15852235.

NM_144997.7(FLCN):c.239del (p.Asp80fs)

Gene: FLCN (folliculin; minus strand). Cytogenetic location: 17p11.2.
Variant type: Deletion.
Coding change: c.239del on transcript NM_144997.7 (MANE Select); coding-DNA position 239, one base deleted (A; older notation c.239delA).
Protein change: p.Asp80fs; shifts the reading frame from aspartic acid 80.
Molecular consequence: frameshift variant.
Genome position (GRCh38, 1-based): chr17:17,227,899, T deleted on the plus strand (A on the coding strand, the reverse complement: FLCN is on the minus strand). VCF-style (leftmost placement, unchanged base first): chr17-17227898-GT-G. GRCh37 (hg19) VCF-style: chr17-17131212-GT-G.
Other names: c.239del (LRG_325t1, NM_144997.5); c.239del, p.Asp80fs (NM_001353229.2, NM_001353230.2, NM_001353231.2 and 1 more transcripts); short protein forms D80fs.
Identifiers: ClinVar variation 409393 (VCV000409393.8), dbSNP rs1060502371, ClinGen allele CA16615385.